The following is an entry in ClinVar:

NM_000498.3(CYP11B2):c.1342C>T (p.Arg448Cys)

Genes: CYP11B2 (cytochrome P450 family 11 subfamily B member 2; minus strand), LOC106799834 (CYP11B2 recombination region; plus strand). Cytogenetic location: 8q24.3.
Variant type: single nucleotide variant.
Coding change: c.1342C>T on transcript NM_000498.3 (MANE Select); coding-DNA position 1342, C replaced by T.
Protein change: p.Arg448Cys; replaces arginine 448 with cysteine.
Molecular consequence: missense variant.
Genome position (GRCh38, 1-based): chr8:142,912,586, G>A on the plus strand (C>T on the coding strand, the complement: CYP11B2 is on the minus strand). VCF-style: chr8-142912586-G-A. GRCh37 (hg19) VCF-style: chr8-143994002-G-A.
Other names: short protein forms R448C.
Identifiers: ClinVar variation 4818599 (VCV004818599.1).

ClinVar aggregate classification (germline): Likely pathogenic (1 of 4 stars; one submission).

Conditions:
Corticosterone methyl oxidase type II deficiency.

gnomAD v4.1: 4 of 1,614,158 alleles (0.00025%); highest among the groups gnomAD compares: East Asian, 0.0022%; no homozygotes.

Submission:

Natera, Inc.
Classification: Likely pathogenic for Corticosterone methyl oxidase type II deficiency. Last evaluated: 2024-05-20. Review status: criteria provided, single submitter. Criteria: Natera Variant Classification Schema (03/2026). Collection method: clinical testing. Allele origin: germline.
Comment: The c.1342C>T variant in CYP11B2 is a missense variant predicted to cause substitution of arginine to cysteine at amino acid 448. This variant is rare in the general population with a frequency below the threshold expected for the associated phenotype(s). This variant has been observed in one or more individuals affected with the associated recessive disease, as either homozygous or compound heterozygous with a second variant (PMID: 33098647). This variant has been identified in one or more affected individuals with a phenotype highly consistent with the associated gene (PMID: 33098647). Computational prediction algorithms indicate this variant is likely to affect gene or protein function. Given the available evidence, this variant is classified as Likely Pathogenic.

Literature cited by the submitters: PubMed 33098647.